The following is an entry in ClinVar:

NM_198334.3(GANAB):c.262G>T (p.Val88Leu)

Gene: GANAB (glucosidase II alpha subunit; minus strand). Cytogenetic location: 11q12.3.
Variant type: single nucleotide variant.
Coding change: c.262G>T on transcript NM_198334.3 (MANE Select); coding-DNA position 262, G replaced by T.
Protein change: p.Val88Leu; replaces valine 88 with leucine.
Molecular consequence: missense variant. On other transcripts: 5 prime UTR variant (5), intron variant (2).
Genome position (GRCh38, 1-based): chr11:62,639,101, C>A on the plus strand (G>T on the coding strand, the complement: GANAB is on the minus strand). VCF-style: chr11-62639101-C-A. GRCh37 (hg19) VCF-style: chr11-62406573-C-A.
Other names: c.-30G>T (NM_001278194.2, NM_001329222.2, NM_001329223.2); c.-515G>T (NM_001329224.2, NM_001329225.2); c.262G>T, p.Val88Leu (NM_198335.4); c.39-4101G>T (NM_001278193.2, NM_001278192.2); short protein forms V88L.
Identifiers: ClinVar variation 1050382 (VCV001050382.1), dbSNP rs145841521, ClinGen allele CA380996342.
Genomic context (GRCh38, chr11:62,639,101, plus strand): 5'-GCTCCAGCTCATCAATCCTGAACCGAGTCATGTTCTTTTGAAGCCCCTGAAGCTCTAGCA[C>A]CAGCAACACCTGCGGGGACAGAGGTTTGGATCTGGAGAAAGGAAATGGGATACACCATGG-3'
Protein context (NP_938148.1, residues 78-98): LIHEVTKVLL[Val88Leu]LELQGLQKNM

ClinVar aggregate classification (germline): Uncertain significance (0 of 4 stars; one submission).

Submission:

Department of Pathology and Laboratory Medicine, Sinai Health System
Classification: Uncertain significance. Review status: no assertion criteria provided. Collection method: clinical testing. Allele origin: unknown. Affected: yes. Study: The Canadian Open Genetics Repository (COGR).
Comment: The GANAB p.Val88Leu variant was not identified in the literature nor was it identified in dbSNP, ClinVar, LOVD 3.0 or in the following control databases: the 1000 Genomes Project, the NHLBI GO Exome Sequencing Project, or the Genome Aggregation Database (March 6, 2019, v2.1.1). The p.Val88 residue is not conserved in mammals and four out of five computational analyses (PolyPhen-2, SIFT, AlignGVGD, BLOSUM, MutationTaster) do not suggest a high likelihood of impact to the protein; however, this information is not predictive enough to rule out pathogenicity. The variant occurs outside of the splicing consensus sequence and three of four in silico or computational prediction software programs (SpliceSiteFinder, MaxEntScan, NNSPLICE, GeneSplicer) predict a greater than 10% difference in splicing and the creation of a new 3' splice site. However, this has not been confirmed by RNA analysis and is not predictive enough to assume pathogenicity. In summary, based on the above information the clinical significance of this variant cannot be determined with certainty at this time. This variant is classified as a variant of uncertain significance.